The following is an entry in ClinVar:

ClinVar aggregate classification (germline): Uncertain significance. Review status: criteria provided, multiple submitters, no conflicts (2 of 4 stars). 2 submissions from 2 submitters: Uncertain significance (2). Last evaluated 2026-01-21.

Conditions:
Spermatogenic failure 18. Identifiers: MedGen C4539783, MONDO:0054615, OMIM 617576.
Ciliary dyskinesia, primary, 37 (CILD37). Also called: CILIARY DYSKINESIA, PRIMARY, 37, WITH OR WITHOUT SITUS INVERSUS. Identifiers: MedGen C4539798, MONDO:0033204, OMIM 617577.

Allele frequency attached by ClinVar (database versions not stated): TOPMed 0.00008; gnomAD 0.00009 and 0.00007; 1000 Genomes Project 30x 0.00016; gnomAD exomes 0.00004 and 0.00008; ExAC 0.00008.
gnomAD v4.1: 79 of 1,613,856 alleles (0.0049%); highest among the groups gnomAD compares: South Asian, 0.054%; no homozygotes.

Submissions (2):

Labcorp Genetics (formerly Invitae), Labcorp
Classification: Uncertain significance for Ciliary dyskinesia, primary, 37; Spermatogenic failure 18. Last evaluated: 2026-01-21. Review status: criteria provided, single submitter. Criteria: Invitae Variant Classification Sherloc (09022015). Collection method: clinical testing. Allele origin: germline.
Comment: This sequence change replaces glutamic acid, which is acidic and polar, with lysine, which is basic and polar, at codon 3692 of the DNAH1 protein (p.Glu3692Lys). This variant is present in population databases (rs758895180, gnomAD 0.05%). This variant has not been reported in the literature in individuals affected with DNAH1-related conditions. ClinVar contains an entry for this variant (Variation ID: 478395). Invitae Evidence Modeling of protein sequence and biophysical properties (such as structural, functional, and spatial information, amino acid conservation, physicochemical variation, residue mobility, and thermodynamic stability) indicates that this missense variant is not expected to disrupt DNAH1 protein function with a negative predictive value of 80%. In summary, the available evidence is currently insufficient to determine the role of this variant in disease. Therefore, it has been classified as a Variant of Uncertain Significance.

Ambry Genetics
Classification: Uncertain significance. Last evaluated: 2025-06-07. Review status: criteria provided, single submitter. Criteria: Ambry Variant Classification Scheme 2023. Collection method: clinical testing. Allele origin: germline.

NM_015512.5(DNAH1):c.11074G>A (p.Glu3692Lys)

Gene: DNAH1 (dynein axonemal heavy chain 1; plus strand). Cytogenetic location: 3p21.1.
Variant type: single nucleotide variant.
Coding change: c.11074G>A on transcript NM_015512.5 (MANE Select); coding-DNA position 11074, G replaced by A.
Protein change: p.Glu3692Lys; replaces glutamic acid 3692 with lysine.
Molecular consequence: missense variant.
Genome position (GRCh38, 1-based): chr3:52,395,413, G>A. VCF-style: chr3-52395413-G-A. GRCh37 (hg19) VCF-style: chr3-52429429-G-A.
Other names: short protein forms E3692K.
Identifiers: ClinVar variation 478395 (VCV000478395.10), dbSNP rs758895180, ClinGen allele CA2436051.